The following is an entry in ClinVar:

ClinVar aggregate classification (germline): Conflicting classifications of pathogenicity. Review status: criteria provided, conflicting classifications (1 of 4 stars). 7 submissions from 7 submitters: Uncertain significance (5); Likely benign (1). 1 of the submissions does not count toward it. Last evaluated 2026-01-13.

Conditions:
Inborn genetic diseases. Identifiers: MedGen C0950123, MeSH D030342.
Stickler syndrome, type 4 (STL4). Identifiers: Orphanet 250984, Orphanet 828, MedGen C3279941, MONDO:0013590, OMIM 614134.
Epiphyseal dysplasia, multiple, 6. Also called: COL9A1-Related Multiple Epiphyseal Dysplasia. Identifiers: MedGen C2675767, MONDO:0013591, OMIM 614135.

Allele frequency attached by ClinVar (database versions not stated): ESP Exome Variant Server 0.00023; gnomAD 0.00025; TOPMed 0.00034; 1000 Genomes Project 30x 0.00078; 1000 Genomes Project 0.00080.
gnomAD v4.1: 156 of 1,614,168 alleles (0.0097%); highest among the groups gnomAD compares: African/African-American, 0.084%; no homozygotes.

Submissions (7):

Labcorp Genetics (formerly Invitae), Labcorp
Classification: Likely benign. Last evaluated: 2026-01-13. Review status: criteria provided, single submitter. Criteria: Invitae Variant Classification Sherloc (09022015). Collection method: clinical testing. Allele origin: germline.

GeneDx
Classification: Uncertain significance. Last evaluated: 2025-08-11. Review status: criteria provided, single submitter. Criteria: GeneDx Variant Classification Process June 2021. Collection method: clinical testing. Allele origin: germline. Affected: yes.
Comment: Has not been previously published as pathogenic or benign to our knowledge; In silico analysis supports that this missense variant has a deleterious effect on protein structure/function

Ambry Genetics
Classification: Uncertain significance for Inborn genetic diseases. Last evaluated: 2025-01-27. Review status: criteria provided, single submitter. Criteria: Ambry Variant Classification Scheme 2023. Collection method: clinical testing. Allele origin: germline.

Blueprint Genetics
Classification: Uncertain significance. Last evaluated: 2024-11-10. Review status: criteria provided, single submitter. Criteria: ACMG Guidelines, 2015. Collection method: clinical testing. Allele origin: germline.

Fulgent Genetics
Classification: Uncertain significance for Stickler syndrome, type 4; Epiphyseal dysplasia, multiple, 6. Last evaluated: 2018-10-31. Review status: criteria provided, single submitter. Criteria: ACMG Guidelines, 2015. Collection method: clinical testing. Allele origin: unknown.

Eurofins Ntd Llc (ga)
Classification: Uncertain significance. Last evaluated: 2015-09-16. Review status: criteria provided, single submitter. Criteria: EGL Classification Definitions 2015. Collection method: clinical testing. Allele origin: germline. Observed: 1 variant allele, 1 heterozygote.

Department of Pathology and Laboratory Medicine, Sinai Health System
Classification: Uncertain significance. Review status: no assertion criteria provided. Collection method: clinical testing. Allele origin: unknown. Affected: yes. Study: The Canadian Open Genetics Repository (COGR). Not counted in ClinVar's aggregate classification.
Comment: The COL9A1 p.R545H variant was not identified in the literature nor was it identified in LOVD 3.0, however it was identified in dbSNP (ID: rs145698301) and in ClinVar (classified as uncertain significance by EGL Genetic Diagnostics and Fulgent Genetics for Stickler syndrome type 4 and Multiple epiphyseal dysplasia 6). The variant was identified in control databases in 38 of 282812 chromosomes at a frequency of 0.0001344 (Genome Aggregation Database March 6, 2019, v2.1.1). The variant was observed in the following populations: African in 20 of 24964 chromosomes (freq: 0.000801), European (non-Finnish) in 14 of 129152 chromosomes (freq: 0.000108), South Asian in 2 of 30610 chromosomes (freq: 0.000065) and Latino in 2 of 35426 chromosomes (freq: 0.000056), but was not observed in the Ashkenazi Jewish, East Asian, European (Finnish), or Other populations. The p.Arg545 residue is conserved in mammals and computational analyses (PolyPhen-2, SIFT, AlignGVGD, BLOSUM, MutationTaster) provide inconsistent predictions regarding the impact to the protein; this information is not very predictive of pathogenicity. The variant occurs outside of the splicing consensus sequence and in silico or computational prediction software programs (SpliceSiteFinder, MaxEntScan, NNSPLICE, GeneSplicer) do not predict a difference in splicing. In summary, based on the above information the clinical significance of this variant cannot be determined with certainty at this time. This variant is classified as a variant of uncertain significance.

NM_001851.6(COL9A1):c.1634G>A (p.Arg545His)

Gene: COL9A1 (collagen type IX alpha 1 chain; minus strand). Cytogenetic location: 6q13.
Variant type: single nucleotide variant.
Coding change: c.1634G>A on transcript NM_001851.6 (MANE Select); coding-DNA position 1634, G replaced by A.
Protein change: p.Arg545His; replaces arginine 545 with histidine.
Molecular consequence: missense variant. On other transcripts: non-coding transcript variant (1).
Genome position (GRCh38, 1-based): chr6:70,254,994, C>T on the plus strand (G>A on the coding strand, the complement: COL9A1 is on the minus strand). VCF-style: chr6-70254994-C-T. GRCh37 (hg19) VCF-style: chr6-70964697-C-T.
Other names: c.905G>A, p.Arg302His (NM_001377289.1, NM_001377290.1, NM_078485.4); short protein forms R545H, R302H.
Identifiers: ClinVar variation 282983 (VCV000282983.23), dbSNP rs145698301, ClinGen allele CA3882097.